The following is an entry in ClinVar:

ClinVar aggregate classification (germline): Pathogenic (1 of 4 stars; one submission).

Submission:

Labcorp Genetics (formerly Invitae), Labcorp
Classification: Pathogenic. Last evaluated: 2020-02-14. Review status: criteria provided, single submitter. Criteria: Invitae Variant Classification Sherloc (09022015). Collection method: clinical testing. Allele origin: germline.
Comment: Loss-of-function variants in NSD1 are known to be pathogenic (PMID: 12464997, 14571271, 15942875, 16247291). For these reasons, this variant has been classified as Pathogenic. This variant has not been reported in the literature in individuals with NSD1-related conditions. This variant is not present in population databases (ExAC no frequency). This sequence change creates a premature translational stop signal (p.Thr1050Argfs*8) in the NSD1 gene. It is expected to result in an absent or disrupted protein product.

Literature cited by the submitters: PubMed 12464997; PubMed 14571271; PubMed 15942875; PubMed 16247291.

NM_022455.5(NSD1):c.3145_3146dup (p.Thr1050fs)

Gene: NSD1 (nuclear receptor binding SET domain protein 1; plus strand). Cytogenetic location: 5q35.3.
Variant type: Duplication.
Coding change: c.3145_3146dup on transcript NM_022455.5 (MANE Select); coding-DNA positions 3145 to 3146, 2 bases duplicated (AA; older notation c.3145_3146dupAA).
Protein change: p.Thr1050fs; shifts the reading frame from threonine 1050.
Molecular consequence: frameshift variant.
Genome position (GRCh38, 1-based): chr5:177,211,544-177,211,545, AA duplicated; duplicating any 2 consecutive bases within chr5:177,211,543-177,211,545 gives the same sequence; the c. name uses the placement nearest the transcript's 3' end. VCF-style (leftmost placement, unchanged base first): chr5-177211542-T-TAA. GRCh37 (hg19) VCF-style: chr5-176638543-T-TAA.
Other names: c.2272_2273dup, p.Thr759Argfs (NM_001365684.2, NM_001409306.1, NM_001409307.1 and 3 more transcripts); c.3145_3146dup, p.Thr1050Argfs (NM_001409301.1, NM_001409302.1, NM_001409303.1); c.2725_2726dup, p.Thr910Argfs (NM_001409304.1); c.2392_2393dup, p.Thr799Argfs (NM_001409305.1); short protein forms T1050fs, T781fs.
Identifiers: ClinVar variation 1074998 (VCV001074998.8), dbSNP rs797045810, ClinGen allele CA2499217771.